The following is an entry in ClinVar:

NM_025103.4(IFT74):c.1685-1G>T

Gene: IFT74 (intraflagellar transport 74; plus strand). Cytogenetic location: 9p21.2.
Variant type: single nucleotide variant.
Coding change: c.1685-1G>T on transcript NM_025103.4 (MANE Select); the canonical splice acceptor site of the intron before coding-DNA position 1685, G replaced by T.
Molecular consequence: splice acceptor variant. On other transcripts: 3 prime UTR variant (1).
Genome position (GRCh38, 1-based): chr9:27,062,617, G>T. VCF-style: chr9-27062617-G-T. GRCh37 (hg19) VCF-style: chr9-27062615-G-T.
Other names: IVSAS20, G-T, -1 (rs200699377); c.*620G>T (NM_001349928.2); c.1685-1G>T (NM_001099223.3, NM_001099222.3).
Identifiers: ClinVar variation 254276 (VCV000254276.16), dbSNP rs200699377, ClinGen allele CA5015766.

ClinVar aggregate classification (germline): Pathogenic/Likely pathogenic. Review status: criteria provided, multiple submitters, no conflicts (2 of 4 stars). 7 submissions from 7 submitters: Pathogenic (2); Likely pathogenic (2). 3 of the submissions do not count toward it. Last evaluated 2025-11-24.

Conditions:
IFT74-related disorder. Also called: IFT74-Related Disorders; IFT74-related condition.
Bardet-Biedl syndrome 22 (BBS22). Identifiers: MedGen C5561936, MONDO:0014926, OMIM 617119.

Allele frequency attached by ClinVar (database versions not stated): ExAC 0.00001; gnomAD exomes 0.00002; TOPMed 0.00004; gnomAD 0.00005.
gnomAD v4.1: 137 of 1,540,558 alleles (0.0089%); highest among the groups gnomAD compares: Non-Finnish European, 0.012%; no homozygotes.

Submissions (7):

Labcorp Genetics (formerly Invitae), Labcorp
Classification: Pathogenic. Last evaluated: 2025-11-24. Review status: criteria provided, single submitter. Criteria: Invitae Variant Classification Sherloc (09022015). Collection method: clinical testing. Allele origin: germline.
Comment: This sequence change affects an acceptor splice site in intron 19 of the IFT74 gene. While this variant is not anticipated to result in nonsense mediated decay, it likely alters RNA splicing and results in a disrupted protein product. This variant is present in population databases (rs200699377, gnomAD 0.005%). Disruption of this splice site has been observed in individuals with Bardet-Biedl syndrome (PMID: 27486776, 32144365, 33748949; internal data). This variant is also known as c.16850–1G>T. ClinVar contains an entry for this variant (Variation ID: 254276). Variants that disrupt the consensus splice site are a relatively common cause of aberrant splicing (PMID: 17576681, 9536098). Algorithms developed to predict the effect of sequence changes on RNA splicing suggest that this variant may disrupt the consensus splice site. For these reasons, this variant has been classified as Pathogenic.

3billion
Classification: Pathogenic for Bardet-Biedl syndrome 22. Last evaluated: 2025-07-01. Review status: criteria provided, single submitter. Criteria: ACMG Guidelines, 2015. Collection method: clinical testing. Allele origin: germline. Affected: yes.
Comment: The variant is observed at an extremely low frequency in the gnomAD v4.1.0 dataset (total allele frequency: 0.009%). Predicted Consequence/Location: Canonical splice site: predicted to alter splicing and result in a loss or disruption of normal protein function. The predicted truncated protein may be shortened by less than 10%. In silico tools predict the variant to alter splicing and produce an abnormal transcript [SpliceAI: 0.55 (spliceogenicity >=0.2, non-spliceogenicity <0.1)]. The variant has been reported to be in trans with a pathogenic variant as either compound heterozygous or homozygous in at least one similarly affected unrelated individual (PMID: 33531668). The variant has been reported at least twice as pathogenic with clinical assertions and evidence for the classification (ClinVar ID: VCV000254276 /3billion dataset). Therefore, this variant is classified as Pathogenic according to the recommendation of ACMG/AMP guideline.

Blueprint Genetics
Classification: Likely pathogenic for IFT74-related disorders. Last evaluated: 2023-05-30. Review status: criteria provided, single submitter. Criteria: ACMG Guidelines, 2015. Collection method: clinical testing. Allele origin: germline. Affected: yes. Observed: 1 variant allele.

Genomic Medicine Lab, University of California San Francisco
Classification: Likely pathogenic for Bardet-Biedl syndrome 22. Last evaluated: 2020-05-14. Review status: criteria provided, single submitter. Criteria: ACMG Guidelines, 2015. Collection method: clinical testing. Allele origin: germline. Inheritance: Autosomal recessive inheritance. Affected: yes. Observed: 1 homozygote. Study: CSER-P3EGS.
Comment: The IFT74 gene encodes an intraflagellar transport protein that is involved in transport of ciliary proteins along the axonemal microtubules. Variants in this gene are associated with Bardet-Biedl syndrome 20 (MIM#617119), an autosomal recessive disorder characterized by retinitis pigmentosa, obesity, polydactyly, hypogonadism, and intellectual disability. This specific splice site variant has been described once before (PMID: 27486776). There is a Clinvar entry for this variant (Variant ID: 254276). This variant is present in population databases, with an allele frequency of 0.0021% in gnomAD (5 heterozygotes).

Clinical Genetics Laboratory, University Hospital Schleswig-Holstein
Classification: Likely pathogenic for Bardet-Biedl syndrome 22. Last evaluated: 2024-09-13. Review status: no assertion criteria provided. Collection method: clinical testing. Allele origin: germline. Affected: yes. Not counted in ClinVar's aggregate classification.

PreventionGenetics, part of Exact Sciences
Classification: Pathogenic for IFT74-related condition. Last evaluated: 2024-03-13. Review status: no assertion criteria provided. Collection method: clinical testing. Allele origin: germline. Not counted in ClinVar's aggregate classification.
Comment: The IFT74 c.1685-1G>T variant is predicted to disrupt the AG splice acceptor site and interfere with normal splicing. This variant has been previously reported in the homozygous or compound heterozygous state in individuals with Bardet-Biedl syndrome (Lindstrand et al. 2016. PubMed ID: 27486776; Kleinendorst et al. 2020. PubMed ID: 32144365; Mardy et al. 2021. PubMed ID: 33748949). This variant is reported in 0.0048% of alleles in individuals of European (Non-Finnish) descent in gnomAD. Variants that disrupt the consensus splice acceptor site in IFT74 are expected to be pathogenic. This variant is interpreted as pathogenic.

OMIM
Classification: Pathogenic for BARDET-BIEDL SYNDROME 22. Last evaluated: 2021-10-21. Review status: no assertion criteria provided. Collection method: literature only. Allele origin: germline. Not counted in ClinVar's aggregate classification.

Literature cited by the submitters: PubMed 27486776 (cited by Labcorp Genetics (formerly Invitae), Labcorp and OMIM); PubMed 32144365 (cited by Labcorp Genetics (formerly Invitae), Labcorp and OMIM); PubMed 33748949 (cited by Labcorp Genetics (formerly Invitae), Labcorp and OMIM); PubMed 17576681 (cited by Labcorp Genetics (formerly Invitae), Labcorp); PubMed 9536098 (cited by Labcorp Genetics (formerly Invitae), Labcorp); PubMed 33531668 (cited by 3billion and OMIM).